The following is an entry in ClinVar:

ClinVar aggregate classification (germline): Benign. Review status: criteria provided, multiple submitters, no conflicts (2 of 4 stars). 2 submissions from 2 submitters: Benign (2). Last evaluated 2018-06-16.

Allele frequency attached by ClinVar (database versions not stated): 1000 Genomes Project 0.11562; gnomAD 0.11600 and 0.12207; 1000 Genomes Project 30x 0.12055; TOPMed 0.12690.
gnomAD v4.1: 47,669 of 680,594 alleles (7%); highest among the groups gnomAD compares: African/African-American, 30%; 3,270 homozygotes.

Submissions (2):

GeneDx
Classification: Benign. Last evaluated: 2018-06-16. Review status: criteria provided, single submitter. Criteria: GeneDx Variant Classification (06012015). Collection method: clinical testing. Allele origin: germline. Affected: yes.
Comment: This variant is considered likely benign or benign based on one or more of the following criteria: it is a conservative change, it occurs at a poorly conserved position in the protein, it is predicted to be benign by multiple in silico algorithms, and/or has population frequency not consistent with disease.

Breakthrough Genomics
Classification: Benign. Review status: criteria provided, single submitter. Criteria: ACMG Guidelines, 2015. Collection method: not provided. Allele origin: germline. Inheritance: Autosomal dominant inheritance. Affected: yes.

NM_001365902.3(NFIX):c.28-638T>C

Gene: NFIX (nuclear factor I X; plus strand). Cytogenetic location: 19p13.13.
Variant type: single nucleotide variant.
Coding change: c.28-638T>C on transcript NM_001365902.3 (MANE Select); 638 bases into the intron before coding-DNA position 28, T replaced by C.
Molecular consequence: intron variant.
Genome position (GRCh38, 1-based): chr19:13,024,383, T>C. VCF-style: chr19-13024383-T-C. GRCh37 (hg19) VCF-style: chr19-13135197-T-C.
Other names: c.28-638T>C (NM_002501.4, NM_001365982.2); c.3+349T>C (NM_001378404.1, NM_001271044.3); c.-251T>C (NM_001271043.2).
Identifiers: ClinVar variation 677427 (VCV000677427.2), dbSNP rs73507341, ClinGen allele CA305547360.